The following is an entry in ClinVar:

ClinVar aggregate classification (germline): Likely pathogenic (0 of 4 stars; one submission).

Conditions:
Pyruvate dehydrogenase E1-alpha deficiency (PDHAD). Also called: ATAXIA, INTERMITTENT, WITH PYRUVATE DEHYDROGENASE DEFICIENCY; ATAXIA WITH LACTIC ACIDOSIS I; ATAXIA, INTERMITTENT, WITH ABNORMAL PYRUVATE METABOLISM; Ataxia, intermittent, with pyruvate dehydrogenase, or decarboxylase, deficiency. Identifiers: Orphanet 79243, MedGen C1839413, MONDO:0010717, OMIM 312170.

Submission:

PDHA1 Study Group, University Children’s Hospital, Paracelsus Medical University
Classification: Likely pathogenic for Pyruvate dehydrogenase E1-alpha deficiency. Last evaluated: 2024-10-15. Review status: no assertion criteria provided. Collection method: research. Allele origin: germline. Affected: yes. Observed: 1 variant allele.
Comment: The NM_000284.3:c.1095_1118dup (p.Tyr366_Pro373dup) change is a deletion-insertion (delins) variant in PDHA1 gene. The variant has been reported in 1 published case (PMIDs: 28918066). Last literature search: July 12, 2024. This variant is absent or extremely rare in population-based cohorts in the Genome Aggregation Database (gnomAD). Individuals harboring this variant presented with clinical features compatible with PDHA1-related PDHc deficiency. In summary, this variant meets criteria to be classified as likely pathogenic (LP) for PDHA1-related PDHc deficiency based on the ACMG/AMP criteria applied: PM1, PM2, PM4 (last assessment October 15, 2024).

Literature cited by the submitters: PubMed 28918066; DOI 10.1093/brain/awaf430.

NM_000284.4(PDHA1):c.1095_1118dup (p.Pro373_Pro374insTyrHisIleTyrSerSerAspPro)

Gene: PDHA1 (pyruvate dehydrogenase E1 subunit alpha 1; plus strand). Cytogenetic location: Xp22.12.
Variant type: Duplication.
Coding change: c.1095_1118dup on transcript NM_000284.4 (MANE Select); coding-DNA positions 1095 to 1118, 24 bases duplicated (CTACCACATCTACTCCAGCGACCC).
Protein change: p.Pro373_Pro374insTyrHisIleTyrSerSerAspPro.
Molecular consequence: inframe insertion.
Genome position (GRCh38, 1-based): chrX:19,359,575-19,359,598, CTACCACATCTACTCCAGCGACCC duplicated. VCF-style (leftmost placement, unchanged base first): chrX-19359574-G-GCTACCACATCTACTCCAGCGACCC. GRCh37 (hg19) VCF-style: chrX-19377692-G-GCTACCACATCTACTCCAGCGACCC.
Other names: c.1209_1232dup, p.Pro411_Pro412insTyrHisIleTyrSerSerAspPro (NM_001173454.2); c.1116_1139dup, p.Pro380_Pro381insTyrHisIleTyrSerSerAspPro (NM_001173455.2); c.1002_1025dup, p.Pro342_Pro343insTyrHisIleTyrSerSerAspPro (NM_001173456.2).
Identifiers: ClinVar variation 4070453 (VCV004070453.1).